The following is an entry in ClinVar:

ClinVar aggregate classification (germline): Pathogenic/Likely pathogenic. Review status: criteria provided, multiple submitters, no conflicts (2 of 4 stars). 3 submissions from 3 submitters: Pathogenic (2); Likely pathogenic (1). Last evaluated 2026-09-08.

Conditions:
Fabry disease. Also called: Angiokeratoma corporis diffusum; Fabry's disease; GLA DEFICIENCY; HEREDITARY DYSTOPIC LIPIDOSIS; ALPHA-GALACTOSIDASE A DEFICIENCY; ANDERSON-FABRY DISEASE. Identifiers: Orphanet 324, MedGen C0002986, MONDO:0010526, OMIM 301500, HP:0001071. Disease mechanism: loss of function, Fabry disease is due to inactivating mutations in the X-linked GLA gene resulting in deficiency of the enzyme Alpha Galactosidase-A..

Submissions (3):

Genomenon, Inc
Classification: Pathogenic for Fabry disease. Last evaluated: 2026-09-08. Review status: criteria provided, single submitter. Criteria: Genomenon Sequence Variant Interpretation Standards - Updated. Collection method: curation. Allele origin: germline. Affected: yes.
Comment: GLA p.Trp162GlyfsTer3 (c.484del) is a frameshift variant that is predicted to introduce a premature termination codon and result in a truncated or absent protein product. This variant has been observed in at least one proband with clinical features consistent with Fabry disease (PMID:39859185;40981160). The variant was found to segregate with disease in at least one affected family (PMID:39859185;40981160). It is absent or not present at a significant frequency in gnomAD. In conclusion, we classify GLA p.Trp162GlyfsTer3 (c.484del) as a pathogenic variant.

CeGaT Center for Human Genetics Tuebingen
Classification: Pathogenic. Last evaluated: 2025-06-01. Review status: criteria provided, single submitter. Criteria: CeGaT Center For Human Genetics Tuebingen Variant Classification Criteria Version 2. Collection method: clinical testing. Allele origin: germline. Affected: yes. Observed: 1 variant allele.
Comment: GLA: PVS1, PM2, PS4:Supporting

Women's Health and Genetics/Laboratory Corporation of America, LabCorp
Classification: Likely pathogenic for Fabry disease. Last evaluated: 2020-04-27. Review status: criteria provided, single submitter. Criteria: LabCorp Variant Classification Summary - May 2015. Collection method: clinical testing. Allele origin: germline.
Comment: Variant summary: GLA c.484delT (p.Trp162GlyfsX3) results in a premature termination codon, predicted to cause a truncation of the encoded protein or absence of the protein due to nonsense mediated decay, which are commonly known mechanisms for disease. Truncations downstream of this position have been classified as pathogenic by our laboratory. The variant was absent in 183491 control chromosomes (gnomAD). To our knowledge, no occurrence of c.484delT in individuals affected with Fabry Disease and no experimental evidence demonstrating its impact on protein function have been reported. No clinical diagnostic laboratories have submitted clinical-significance assessments for this variant to ClinVar after 2014. Based on the evidence outlined above, the variant was classified as likely pathogenic.

Literature cited by the submitters: PubMed 39859185 (cited by Genomenon, Inc); PubMed 40981160 (cited by Genomenon, Inc).

NM_000169.3(GLA):c.484del (p.Trp162fs)

Genes: GLA (galactosidase alpha; minus strand), RPL36A-HNRNPH2 (RPL36A-HNRNPH2 readthrough; plus strand). Cytogenetic location: Xq22.1.
Variant type: Deletion.
Coding change: c.484del on transcript NM_000169.3 (MANE Select); coding-DNA position 484, one base deleted (T; older notation c.484delT).
Protein change: p.Trp162fs; shifts the reading frame from tryptophan 162.
Molecular consequence: frameshift variant. On other transcripts: non-coding transcript variant (3), intron variant (2).
Genome position (GRCh38, 1-based): chrX:101,401,695, A deleted on the plus strand (T on the coding strand, the reverse complement: GLA is on the minus strand). VCF-style (leftmost placement, unchanged base first): chrX-101401694-CA-C. GRCh37 (hg19) VCF-style: chrX-100656682-CA-C.
Other names: c.607del, p.Trp203fs (NM_001406747.1, NM_001406749.1); c.484del, p.Trp162fs (NM_001406748.1); c.300+6238del (NM_001199973.2); c.177+9873del (NM_001199974.2); short protein forms W162fs, W203fs.
Identifiers: ClinVar variation 917795 (VCV000917795.10), dbSNP rs1928321045, ClinGen allele CA1139667726.